The following is an entry in ClinVar:

ClinVar aggregate classification (germline): Uncertain significance (1 of 4 stars; one submission).

gnomAD v4.1: 6 of 1,613,922 alleles (0.00037%); highest among the groups gnomAD compares: Non-Finnish European, 0.00051%; no homozygotes.

Submission:

Labcorp Genetics (formerly Invitae), Labcorp
Classification: Uncertain significance. Last evaluated: 2024-09-19. Review status: criteria provided, single submitter. Criteria: Invitae Variant Classification Sherloc (09022015). Collection method: clinical testing. Allele origin: germline.
Comment: This sequence change replaces glycine, which is neutral and non-polar, with cysteine, which is neutral and slightly polar, at codon 7 of the SLC16A1 protein (p.Gly7Cys). This variant is present in population databases (rs146450422, gnomAD 0.0009%). This variant has not been reported in the literature in individuals affected with SLC16A1-related conditions. An algorithm developed to predict the effect of missense changes on protein structure and function (PolyPhen-2) suggests that this variant is likely to be disruptive. In summary, the available evidence is currently insufficient to determine the role of this variant in disease. Therefore, it has been classified as a Variant of Uncertain Significance.

NM_003051.4(SLC16A1):c.19G>T (p.Gly7Cys)

Gene: SLC16A1 (solute carrier family 16 member 1; minus strand). Cytogenetic location: 1p13.2.
Variant type: single nucleotide variant.
Coding change: c.19G>T on transcript NM_003051.4 (MANE Select); coding-DNA position 19, G replaced by T.
Protein change: p.Gly7Cys; replaces glycine 7 with cysteine.
Molecular consequence: missense variant.
Genome position (GRCh38, 1-based): chr1:112,929,290, C>A on the plus strand (G>T on the coding strand, the complement: SLC16A1 is on the minus strand). VCF-style: chr1-112929290-C-A. GRCh37 (hg19) VCF-style: chr1-113471912-C-A.
Other names: c.19G>T, p.Gly7Cys (NM_001166496.2); short protein forms G7C.
Identifiers: ClinVar variation 3605279 (VCV003605279.2).